The following is an entry in ClinVar:

ClinVar aggregate classification (germline): Likely benign. Review status: criteria provided, multiple submitters, no conflicts (2 of 4 stars). 2 submissions from 2 submitters: Likely benign (2). Last evaluated 2025-07-23.

Allele frequency attached by ClinVar (database versions not stated): ExAC 0.00011; gnomAD exomes 0.00012 and 0.00013; TOPMed 0.00012; gnomAD 0.00016; 1000 Genomes Project 30x 0.00031; 1000 Genomes Project 0.00040.
gnomAD v4.1: 198 of 1,614,192 alleles (0.012%); highest among the groups gnomAD compares: Middle Eastern, 0.16%; no homozygotes.

Submissions (2):

Labcorp Genetics (formerly Invitae), Labcorp
Classification: Likely benign. Last evaluated: 2025-07-23. Review status: criteria provided, single submitter. Criteria: Invitae Variant Classification Sherloc (09022015). Collection method: clinical testing. Allele origin: germline.

CeGaT Center for Human Genetics Tuebingen
Classification: Likely benign. Last evaluated: 2025-01-01. Review status: criteria provided, single submitter. Criteria: CeGaT Center For Human Genetics Tuebingen Variant Classification Criteria Version 2. Collection method: clinical testing. Allele origin: germline. Affected: yes. Observed: 1 variant allele.
Comment: KRT6A: BP4, BP7

NM_005554.4(KRT6A):c.951T>C (p.Ser317=)

Gene: KRT6A (keratin 6A; minus strand). Cytogenetic location: 12q13.13.
Variant type: single nucleotide variant.
Coding change: c.951T>C on transcript NM_005554.4 (MANE Select); coding-DNA position 951, T replaced by C.
Protein change: p.Ser317=; no amino-acid change (serine 317 retained).
Molecular consequence: synonymous variant.
Genome position (GRCh38, 1-based): chr12:52,490,695, A>G on the plus strand (T>C on the coding strand, the complement: KRT6A is on the minus strand). VCF-style: chr12-52490695-A-G. GRCh37 (hg19) VCF-style: chr12-52884479-A-G.
Identifiers: ClinVar variation 1582206 (VCV001582206.21), dbSNP rs432834, ClinGen allele CA6582041.